The following is an entry in ClinVar:

ClinVar aggregate classification (germline): Uncertain significance (1 of 4 stars; one submission).

Conditions:
Baller-Gerold syndrome (BGS). Also called: CRANIOSYNOSTOSIS WITH RADIAL DEFECTS. Identifiers: Orphanet 1225, MedGen C0265308, MONDO:0009039, OMIM 218600.

Submission:

Labcorp Genetics (formerly Invitae), Labcorp
Classification: Uncertain significance for Baller-Gerold syndrome. Last evaluated: 2019-07-19. Review status: criteria provided, single submitter. Criteria: Invitae Variant Classification Sherloc (09022015). Collection method: clinical testing. Allele origin: germline.
Comment: In summary, the available evidence is currently insufficient to determine the role of this variant in disease. Therefore, it has been classified as a Variant of Uncertain Significance. Experimental studies and prediction algorithms are not available or were not evaluated for this variant, and the functional significance of the affected amino acid(s) is currently unknown. This variant has not been reported in the literature in individuals with RECQL4-related conditions. This variant is not present in population databases (ExAC no frequency). This variant, c.731_733del, results in the deletion of one amino acid of the RECQL4 protein (p.Glu244del), but otherwise preserves the integrity of the reading frame.

NM_004260.4(RECQL4):c.728AAG[1] (p.Glu244del)

Gene: RECQL4 (RecQ like helicase 4; minus strand). Cytogenetic location: 8q24.3.
Variant type: Microsatellite.
Coding change: c.728AAG[1] on transcript NM_004260.4 (MANE Select); one copy of the 3-base unit AAG starting at c.728; the reference has two copies in a row; one copy, 3 bases deleted.
Protein change: p.Glu244del; deletes glutamic acid 244.
Molecular consequence: inframe deletion.
Genome position (GRCh38, 1-based): chr8:144,516,386-144,516,388, CTT deleted on the plus strand (AAG on the coding strand, the reverse complement: RECQL4 is on the minus strand); deleting any 3 consecutive bases within chr8:144,516,386-144,516,391 gives the same sequence; the position shown is the placement nearest the transcript's 3' end. VCF-style (leftmost placement, unchanged base first): chr8-144516385-ACTT-A. GRCh37 (hg19) VCF-style: chr8-145741769-ACTT-A.
Other names: short protein forms E244del.
Identifiers: ClinVar variation 960415 (VCV000960415.5), dbSNP rs1814996685, ClinGen allele CA1826369070.